The following is an entry in ClinVar:

NM_000352.6(ABCC8):c.3163-1_3163insGTGAT

Gene: ABCC8 (ATP binding cassette subfamily C member 8; minus strand). Cytogenetic location: 11p15.1.
Variant type: Insertion.
Coding change: c.3163-1_3163insGTGAT on transcript NM_000352.6 (MANE Select); the canonical splice acceptor site of the intron before coding-DNA position 3163 through coding-DNA position 3163, GTGAT inserted.
Molecular consequence: splice acceptor variant.
Genome position: GRCh38 VCF-style: chr11-17406788-C-CCATCA. GRCh37 (hg19) VCF-style: chr11-17428335-C-CCATCA.
Other names: c.3160-1_3160insGTGAT (NM_001351297.2); c.3163-1_3163insGTGAT (NM_001351296.2); c.3229-1_3229insGTGAT (NM_001351295.2); c.3166-1_3166insGTGAT (NM_001287174.3).
Identifiers: ClinVar variation 4818248 (VCV004818248.1).

ClinVar aggregate classification (germline): Likely pathogenic (1 of 4 stars; one submission).

Conditions:
Hereditary hyperinsulinism.

Submission:

Natera, Inc.
Classification: Likely pathogenic for Hereditary hyperinsulinism. Last evaluated: 2024-10-18. Review status: criteria provided, single submitter. Criteria: Natera Variant Classification Schema (03/2026). Collection method: clinical testing. Allele origin: germline.
Comment: The c.3163-1_3163insTGATG variant in ABCC8 is a canonical splice acceptor site variant predicted to affect pre-mRNA splicing, which may result in an abnormal transcript and altered protein product. This variant is expected to result in nonsense mediated decay, truncation, or a dysfunctional protein product. This variant is rare in the general population with a frequency below the threshold expected for the associated phenotype(s). Given the available evidence, this variant is classified as Likely Pathogenic.